The following is an entry in ClinVar:

NM_000094.4(COL7A1):c.3091G>A (p.Val1031Ile)

Gene: COL7A1 (collagen type VII alpha 1 chain; minus strand). Cytogenetic location: 3p21.31.
Variant type: single nucleotide variant.
Coding change: c.3091G>A on transcript NM_000094.4 (MANE Select); coding-DNA position 3091, G replaced by A.
Protein change: p.Val1031Ile; replaces valine 1031 with isoleucine.
Molecular consequence: missense variant.
Genome position (GRCh38, 1-based): chr3:48,587,238, C>T on the plus strand (G>A on the coding strand, the complement: COL7A1 is on the minus strand). VCF-style: chr3-48587238-C-T. GRCh37 (hg19) VCF-style: chr3-48624671-C-T.
Other names: short protein forms V1031I.
Identifiers: ClinVar variation 1391339 (VCV001391339.6), dbSNP rs1206576149, ClinGen allele CA352712408.

ClinVar aggregate classification (germline): Uncertain significance (1 of 4 stars; one submission).

gnomAD v4.1: 3 of 1,613,392 alleles (0.00019%); highest among the groups gnomAD compares: Middle Eastern, 0.033%; no homozygotes.

Submission:

Labcorp Genetics (formerly Invitae), Labcorp
Classification: Uncertain significance. Last evaluated: 2025-03-18. Review status: criteria provided, single submitter. Criteria: Invitae Variant Classification Sherloc (09022015). Collection method: clinical testing. Allele origin: germline.
Comment: This sequence change replaces valine, which is neutral and non-polar, with isoleucine, which is neutral and non-polar, at codon 1031 of the COL7A1 protein (p.Val1031Ile). This variant is not present in population databases (gnomAD no frequency). This variant has not been reported in the literature in individuals affected with COL7A1-related conditions. ClinVar contains an entry for this variant (Variation ID: 1391339). Invitae Evidence Modeling of protein sequence and biophysical properties (such as structural, functional, and spatial information, amino acid conservation, physicochemical variation, residue mobility, and thermodynamic stability) indicates that this missense variant is not expected to disrupt COL7A1 protein function with a negative predictive value of 95%. In summary, the available evidence is currently insufficient to determine the role of this variant in disease. Therefore, it has been classified as a Variant of Uncertain Significance.